The following is an entry in ClinVar:

ClinVar aggregate classification (germline): Pathogenic (1 of 4 stars; one submission).

Conditions:
Hereditary spastic paraplegia 2 (SPG2). Also called: SPASTIC PARAPLEGIA 2, X-LINKED; Spastic Paraplegia 2 (SPG2). Identifiers: Orphanet 99015, MedGen C0751604, MONDO:0010733, OMIM 312920.

Submissions (2):

Labcorp Genetics (formerly Invitae), Labcorp
Classification: Pathogenic for Hereditary spastic paraplegia 2. Last evaluated: 2024-08-30. Review status: criteria provided, single submitter. Criteria: Invitae Variant Classification Sherloc (09022015). Collection method: clinical testing. Allele origin: germline.
Comment: This sequence change creates a premature translational stop signal (p.Glu136*) in the PLP1 gene. It is expected to result in an absent or disrupted protein product. Loss-of-function variants in PLP1 are known to be pathogenic (PMID: 18470932). This variant is not present in population databases (gnomAD no frequency). This variant has not been reported in the literature in individuals affected with PLP1-related conditions. For these reasons, this variant has been classified as Pathogenic.

Dr. Peter K. Rogan Lab, Western University
No classification provided (evidence only). Condition: Thyroid cancer, nonmedullary, 1. Review status: no classification provided. Collection method: in vitro. Allele origin: not applicable. Functional consequence: retained intron. Not counted in ClinVar's aggregate classification.

Literature cited by the submitters: PubMed 18470932 (cited by Labcorp Genetics (formerly Invitae), Labcorp).

NM_000533.5(PLP1):c.406G>T (p.Glu136Ter)

Genes: PLP1 (proteolipid protein 1; plus strand), RAB9B (RAB9B, member RAS oncogene family; minus strand). Cytogenetic location: Xq22.2.
Variant type: single nucleotide variant.
Coding change: c.406G>T on transcript NM_000533.5 (MANE Select); coding-DNA position 406, G replaced by T.
Protein change: p.Glu136Ter; replaces glutamic acid 136 with a stop codon.
Molecular consequence: nonsense. On other transcripts: intron variant (1).
Genome position (GRCh38, 1-based): chrX:103,786,679, G>T. VCF-style: chrX-103786679-G-T. GRCh37 (hg19) VCF-style: chrX-103041608-G-T.
Other names: c.406G>T, p.Glu136Ter (NM_001128834.3); c.241G>T, p.Glu81Ter (NM_001305004.1); c.348+58G>T (NM_199478.3); short protein forms E81*, E136*.
Identifiers: ClinVar variation 2815078 (VCV002815078.4), dbSNP rs2522308250, ClinGen allele CA414102869.